The following is an entry in ClinVar:

ClinVar aggregate classification (germline): Uncertain significance (1 of 4 stars; one submission).

Allele frequency attached by ClinVar (database versions not stated): gnomAD exomes below 0.00001.
gnomAD v4.1: 1 of 1,539,672 alleles (0.000065%); highest among the groups gnomAD compares: Non-Finnish European, 0.000088%; no homozygotes.

Submission:

Labcorp Genetics (formerly Invitae), Labcorp
Classification: Uncertain significance. Last evaluated: 2022-08-24. Review status: criteria provided, single submitter. Criteria: Invitae Variant Classification Sherloc (09022015). Collection method: clinical testing. Allele origin: germline.
Comment: This variant is not present in population databases (gnomAD no frequency). In summary, the available evidence is currently insufficient to determine the role of this variant in disease. Therefore, it has been classified as a Variant of Uncertain Significance. Algorithms developed to predict the effect of missense changes on protein structure and function (SIFT, PolyPhen-2, Align-GVGD) all suggest that this variant is likely to be tolerated. This variant has not been reported in the literature in individuals affected with SLC19A1-related conditions. This sequence change replaces proline, which is neutral and non-polar, with serine, which is neutral and polar, at codon 501 of the SLC19A1 protein (p.Pro501Ser).

NM_194255.4(SLC19A1):c.1501C>T (p.Pro501Ser)

Gene: SLC19A1 (solute carrier family 19 member 1; minus strand). Cytogenetic location: 21q22.3.
Variant type: single nucleotide variant.
Coding change: c.1501C>T on transcript NM_194255.4 (MANE Select); coding-DNA position 1501, C replaced by T.
Protein change: p.Pro501Ser; replaces proline 501 with serine.
Molecular consequence: missense variant. On other transcripts: intron variant (2).
Genome position (GRCh38, 1-based): chr21:45,515,933, G>A on the plus strand (C>T on the coding strand, the complement: SLC19A1 is on the minus strand). VCF-style: chr21-45515933-G-A. GRCh37 (hg19) VCF-style: chr21-46935847-G-A.
Other names: c.1381C>T, p.Pro461Ser (NM_001205207.3); c.1147C>T, p.Pro383Ser (NM_001352510.2); c.1501C>T, p.Pro501Ser (NM_001352512.2); c.1294-781C>T (NM_001352511.3, NM_001205206.4); short protein forms P383S, P461S, P501S.
Identifiers: ClinVar variation 2026196 (VCV002026196.3), dbSNP rs2037903375, ClinGen allele CA410504085.